The following is an entry in ClinVar:

NM_020631.6(PLEKHG5):c.935C>A (p.Ala312Asp)

Gene: PLEKHG5 (pleckstrin homology and RhoGEF domain containing G5; minus strand). Cytogenetic location: 1p36.31.
Variant type: single nucleotide variant.
Coding change: c.935C>A on transcript NM_020631.6 (MANE Select); coding-DNA position 935, C replaced by A.
Protein change: p.Ala312Asp; replaces alanine 312 with aspartic acid.
Molecular consequence: missense variant.
Genome position (GRCh38, 1-based): chr1:6,473,035, G>T on the plus strand (C>A on the coding strand, the complement: PLEKHG5 is on the minus strand). VCF-style: chr1-6473035-G-T. GRCh37 (hg19) VCF-style: chr1-6533095-G-T.
Other names: c.1046C>A, p.Ala349Asp (NM_001042663.3, NM_001265592.2); c.935C>A, p.Ala312Asp (NM_001042664.2, NM_001042665.2, NM_001265594.3 and 1 more transcripts); c.1142C>A, p.Ala381Asp (NM_001265593.2); short protein forms A381D, A312D, A349D.
Identifiers: ClinVar variation 2005591 (VCV002005591.4), dbSNP rs2523189261, ClinGen allele CA338133795.

ClinVar aggregate classification (germline): Uncertain significance (1 of 4 stars; one submission).

Conditions:
Charcot-Marie-Tooth disease recessive intermediate C. Also called: CHARCOT-MARIE-TOOTH NEUROPATHY, RECESSIVE INTERMEDIATE C. Identifiers: Orphanet 369867, MedGen C3809309, MONDO:0014154, OMIM 615376.
Neuronopathy, distal hereditary motor, autosomal recessive 4. Also called: NEUROPATHY, DISTAL HEREDITARY MOTOR, AUTOSOMAL RECESSIVE 4; Autosomal recessive lower motor neuron disease with childhood onset. Identifiers: Orphanet 206580, MedGen C1970211, MONDO:0012608, OMIM 611067.

Submission:

Labcorp Genetics (formerly Invitae), Labcorp
Classification: Uncertain significance for Neuronopathy, distal hereditary motor, autosomal recessive 4; Charcot-Marie-Tooth disease recessive intermediate C. Last evaluated: 2022-03-12. Review status: criteria provided, single submitter. Criteria: Invitae Variant Classification Sherloc (09022015). Collection method: clinical testing. Allele origin: germline.
Comment: Algorithms developed to predict the effect of missense changes on protein structure and function are either unavailable or do not agree on the potential impact of this missense change (SIFT: "Deleterious"; PolyPhen-2: "Benign"; Align-GVGD: "Class C0"). This variant has not been reported in the literature in individuals affected with PLEKHG5-related conditions. This variant is not present in population databases (gnomAD no frequency). This sequence change replaces alanine, which is neutral and non-polar, with aspartic acid, which is acidic and polar, at codon 312 of the PLEKHG5 protein (p.Ala312Asp). In summary, the available evidence is currently insufficient to determine the role of this variant in disease. Therefore, it has been classified as a Variant of Uncertain Significance.